The following is an entry in ClinVar:

NM_199420.4(POLQ):c.5260G>A (p.Glu1754Lys)

Gene: POLQ (DNA polymerase theta; minus strand). Cytogenetic location: 3q13.33.
Variant type: single nucleotide variant.
Coding change: c.5260G>A on transcript NM_199420.4 (MANE Select); coding-DNA position 5260, G replaced by A.
Protein change: p.Glu1754Lys; replaces glutamic acid 1754 with lysine.
Molecular consequence: missense variant.
Genome position (GRCh38, 1-based): chr3:121,487,671, C>T on the plus strand (G>A on the coding strand, the complement: POLQ is on the minus strand). VCF-style: chr3-121487671-C-T. GRCh37 (hg19) VCF-style: chr3-121206518-C-T.
Other names: short protein forms E1754K.
Identifiers: ClinVar variation 1746446 (VCV001746446.2), dbSNP rs2546784916, ClinGen allele CA354090767.

ClinVar aggregate classification (germline): Uncertain significance (1 of 4 stars; one submission).

Submission:

Ambry Genetics
Classification: Uncertain significance. Last evaluated: 2021-12-10. Review status: criteria provided, single submitter. Criteria: Ambry Variant Classification Scheme 2023. Collection method: clinical testing. Allele origin: germline.
Comment: The p.E1754K variant (also known as c.5260G>A), located in coding exon 16 of the POLQ gene, results from a G to A substitution at nucleotide position 5260. The glutamic acid at codon 1754 is replaced by lysine, an amino acid with similar properties. This amino acid position is conserved. In addition, this alteration is predicted to be tolerated by in silico analysis. Since supporting evidence is limited at this time, the clinical significance of this alteration remains unclear.